The following is an entry in ClinVar:

ClinVar aggregate classification (germline): Benign (1 of 4 stars; one submission).

Submission:

Women's Health and Genetics/Laboratory Corporation of America, LabCorp
Classification: Benign. Last evaluated: 2024-02-20. Review status: criteria provided, single submitter. Criteria: LabCorp Variant Classification Summary - May 2015. Collection method: clinical testing. Allele origin: germline.
Comment: Variant summary: The variant involves the duplication of exons 10-15 in the RNPC3 gene. A presumed nomenclature of c.(1045+1_1046-1)_(*220_?)dup has been designated for the purposes of this classification. The exact breakpoint at the 3' end of this variant is unknown, therefore this duplication may extend downstream of the annotated region of the gene. It is assumed to be a tandem duplication in direct orientation (PMIDs: 25640679, 30054569). As it duplicates the termination codon, its effect on the encoded protein is unknown. A structural variant involving the duplication of exons 10-15 together with a large (~36 kb) DNA segment extending downstream of the gene (position: hg19 1:104087214-104133236; size: 46,022 bp), was found at a frequency of 0.047 in 21674 control chromosomes in the gnomAD database (Structural Variants v2.1 dataset), including 266 homozygotes. The high number of homozygous duplications suggests that copy number gains affecting this region are benign. In addition, this variant overlaps with a large multi-allelic CNV (mCNV; position: hg19 1:104137300-104303200; size: 165,900 bp), which was reported in 2040 non-diploid samples / 10847 total samples. To our knowledge, no occurrence of c.(1045+1_1046-1)_(*220_?)dup in individuals affected with Isolated Growth Hormone Deficiency, Type 5 and no experimental evidence demonstrating its impact on protein function have been reported. No submitters have cited clinical-significance assessments for this variant to ClinVar. Based on the evidence outlined above, duplication variants that include a large DNA segment downstream of the gene, were classified as benign.

NC_000001.10:g.(104086070_104087562)_(104097862_?)dup

Genes: AMY2B (amylase alpha 2B; plus strand), RNPC3 (RNA binding region (RNP1, RRM) containing 3; plus strand). Cytogenetic location: 1p21.1.
Variant type: Duplication.
Identifiers: ClinVar variation 3069120 (VCV003069120.1).